The following is an entry in ClinVar:

ClinVar aggregate classification (germline): Uncertain significance (1 of 4 stars; one submission).

Allele frequency attached by ClinVar (database versions not stated): 1000 Genomes Project 30x 0.00062.

Submission:

Labcorp Genetics (formerly Invitae), Labcorp
Classification: Uncertain significance. Last evaluated: 2025-03-07. Review status: criteria provided, single submitter. Criteria: Invitae Variant Classification Sherloc (09022015). Collection method: clinical testing. Allele origin: germline.
Comment: This sequence change replaces glycine, which is neutral and non-polar, with cysteine, which is neutral and slightly polar, at codon 77 of the FOXI3 protein (p.Gly77Cys). This variant is present in population databases (no rsID available, gnomAD 0.09%), and has an allele count higher than expected for a pathogenic variant. This variant has not been reported in the literature in individuals affected with FOXI3-related conditions. ClinVar contains an entry for this variant (Variation ID: 1039071). Experimental studies and prediction algorithms are not available or were not evaluated, and the functional significance of this variant is currently unknown. In summary, the available evidence is currently insufficient to determine the role of this variant in disease. Therefore, it has been classified as a Variant of Uncertain Significance.

NM_001135649.3(FOXI3):c.229G>T (p.Gly77Cys)

Gene: FOXI3 (forkhead box I3; minus strand). Cytogenetic location: 2p11.2.
Variant type: single nucleotide variant.
Coding change: c.229G>T on transcript NM_001135649.3 (MANE Select); coding-DNA position 229, G replaced by T.
Protein change: p.Gly77Cys; replaces glycine 77 with cysteine.
Molecular consequence: missense variant.
Genome position (GRCh38, 1-based): chr2:88,452,307, C>A on the plus strand (G>T on the coding strand, the complement: FOXI3 is on the minus strand). VCF-style: chr2-88452307-C-A. GRCh37 (hg19) VCF-style: chr2-88751825-C-A.
Other names: short protein forms G77C.
Identifiers: ClinVar variation 1039071 (VCV001039071.8), dbSNP rs1020209023, ClinGen allele CA347766790.
Genomic context (GRCh38, chr2:88,452,307, plus strand): 5'-GCGGTGGCTGCAGAAAGGGCCCGGCCGCGGCCCCGGGGGGCGGCGGCGGCGGCGGAGCGC[C>A]CAGGTACGCGGCGGCGGCTGCGGCGGCGGCGGAGGGCGGGCCTCCCACGCCGGGCCCGTT-3'
Protein context (NP_001129121.1, residues 67-87): AAAAAAAAYL[Gly77Cys]APPPPPPPGA